The following is an entry in ClinVar:

NM_003579.4(RAD54L):c.467A>G (p.His156Arg)

Gene: RAD54L (RAD54 like; plus strand). Cytogenetic location: 1p34.1.
Variant type: single nucleotide variant.
Coding change: c.467A>G on transcript NM_003579.4 (MANE Select); coding-DNA position 467, A replaced by G.
Protein change: p.His156Arg; replaces histidine 156 with arginine.
Molecular consequence: missense variant. On other transcripts: 5 prime UTR variant (1).
Genome position (GRCh38, 1-based): chr1:46,260,601, A>G. VCF-style: chr1-46260601-A-G. GRCh37 (hg19) VCF-style: chr1-46726273-A-G.
Other names: c.467A>G, p.His156Arg (NM_001142548.2); c.-74A>G (NM_001370766.1); short protein forms H156R.
Identifiers: ClinVar variation 1742373 (VCV001742373.2), dbSNP rs780246007, ClinGen allele CA340185098.

ClinVar aggregate classification (germline): Uncertain significance (1 of 4 stars; one submission).

Submission:

Ambry Genetics
Classification: Uncertain significance. Last evaluated: 2021-07-19. Review status: criteria provided, single submitter. Criteria: Ambry Variant Classification Scheme 2023. Collection method: clinical testing. Allele origin: germline.
Comment: The p.H156R variant (also known as c.467A>G), located in coding exon 6 of the RAD54L gene, results from an A to G substitution at nucleotide position 467. The histidine at codon 156 is replaced by arginine, an amino acid with highly similar properties. This amino acid position is conserved. In addition, this alteration is predicted to be deleterious by in silico analysis. Since supporting evidence is limited at this time, the clinical significance of this alteration remains unclear.